The following is an entry in ClinVar:

ClinVar aggregate classification (germline): Uncertain significance (1 of 4 stars; one submission).

Allele frequency attached by ClinVar (database versions not stated): TOPMed below 0.00001; gnomAD 0.00001; gnomAD exomes 0.00002; ExAC 0.00003.
gnomAD v4.1: 11 of 1,603,148 alleles (0.00069%); highest among the groups gnomAD compares: Admixed American, 0.019%; no homozygotes.

Submission:

GeneDx
Classification: Uncertain significance. Last evaluated: 2023-05-17. Review status: criteria provided, single submitter. Criteria: GeneDx Variant Classification Process June 2021. Collection method: clinical testing. Allele origin: germline. Affected: yes.
Comment: In silico analysis supports that this missense variant has a deleterious effect on protein structure/function; Has not been previously published as pathogenic or benign to our knowledge

NM_006828.4(ASCC3):c.5029G>A (p.Asp1677Asn)

Gene: ASCC3 (activating signal cointegrator 1 complex subunit 3; minus strand). Cytogenetic location: 6q16.3.
Variant type: single nucleotide variant.
Coding change: c.5029G>A on transcript NM_006828.4 (MANE Select); coding-DNA position 5029, G replaced by A.
Protein change: p.Asp1677Asn; replaces aspartic acid 1677 with asparagine.
Molecular consequence: missense variant.
Genome position (GRCh38, 1-based): chr6:100,606,755, C>T on the plus strand (G>A on the coding strand, the complement: ASCC3 is on the minus strand). VCF-style: chr6-100606755-C-T. GRCh37 (hg19) VCF-style: chr6-101054631-C-T.
Other names: short protein forms D1677N.
Identifiers: ClinVar variation 2662446 (VCV002662446.1), dbSNP rs779765121, ClinGen allele CA3937903.